The following is an entry in ClinVar:

ClinVar aggregate classification (germline): Likely pathogenic (0 of 4 stars; one submission).

Conditions:
SACS-related disorder. Also called: SACS-related condition.

Submission:

PreventionGenetics, part of Exact Sciences
Classification: Likely pathogenic for SACS-related condition. Last evaluated: 2024-05-01. Review status: no assertion criteria provided. Collection method: clinical testing. Allele origin: germline.
Comment: The SACS c.11658delG variant is predicted to result in a frameshift and premature protein termination (p.Ser3887Valfs*9). To our knowledge, this variant has not been reported in the literature. This variant is reported in 0.00088% of alleles in individuals of European (Non-Finnish) descent in gnomAD. Frameshift variants in SACS are expected to be pathogenic. This variant is interpreted as likely pathogenic.

NM_014363.6(SACS):c.11658del (p.Ser3887fs)

Gene: SACS (sacsin molecular chaperone; minus strand). Cytogenetic location: 13q12.12.
Variant type: Deletion.
Coding change: c.11658del on transcript NM_014363.6 (MANE Select); coding-DNA position 11658, one base deleted (G; older notation c.11658delG).
Protein change: p.Ser3887fs; shifts the reading frame from serine 3887.
Molecular consequence: frameshift variant.
Genome position (GRCh38, 1-based): chr13:23,332,218, C deleted on the plus strand (G on the coding strand, the reverse complement: SACS is on the minus strand); the first of 2 consecutive C bases (chr13:23,332,218-23,332,219); deleting either gives the same sequence. VCF-style (leftmost placement, unchanged base first): chr13-23332217-TC-T. GRCh37 (hg19) VCF-style: chr13-23906356-TC-T.
Other names: c.11217del, p.Ser3740fs (NM_001278055.2); short protein forms S3740fs, S3887fs.
Identifiers: ClinVar variation 3348001 (VCV003348001.1).
Genomic context (GRCh38, chr13:23,332,217, plus strand): 5'-GCGCAAGGTCTCGTACATTCTCGAGATCACTCCTCACCTTGACTGAATCATTCTGTAGAC[TC>T]CTGAACAGACCAGAAACTACTCTCTTAACTGTACGCATTTCATTAGGATCTAATTGTTTG-3'